The following is an entry in ClinVar:

ClinVar aggregate classification (germline): Uncertain significance (1 of 4 stars; one submission).

Conditions:
Charcot-Marie-Tooth disease axonal type 2O. Also called: CHARCOT-MARIE-TOOTH NEUROPATHY, AXONAL, TYPE 2O; CHARCOT-MARIE-TOOTH DISEASE, AXONAL, AUTOSOMAL DOMINANT, TYPE 2O; Charcot-Marie-Tooth Neuropathy Type 2O; Charcot-Marie-Tooth disease, axonal, type 20. Identifiers: Orphanet 284232, MedGen C3280220, MONDO:0013644, OMIM 614228.

Submission:

Labcorp Genetics (formerly Invitae), Labcorp
Classification: Uncertain significance for Charcot-Marie-Tooth disease axonal type 2O. Last evaluated: 2023-10-13. Review status: criteria provided, single submitter. Criteria: Invitae Variant Classification Sherloc (09022015). Collection method: clinical testing. Allele origin: germline.
Comment: This sequence change replaces serine, which is neutral and polar, with proline, which is neutral and non-polar, at codon 4010 of the DYNC1H1 protein (p.Ser4010Pro). This variant is not present in population databases (gnomAD no frequency). This variant has not been reported in the literature in individuals affected with DYNC1H1-related conditions. Advanced modeling of protein sequence and biophysical properties (such as structural, functional, and spatial information, amino acid conservation, physicochemical variation, residue mobility, and thermodynamic stability) performed at Invitae indicates that this missense variant is not expected to disrupt DYNC1H1 protein function. In summary, the available evidence is currently insufficient to determine the role of this variant in disease. Therefore, it has been classified as a Variant of Uncertain Significance.

NM_001376.5(DYNC1H1):c.12028T>C (p.Ser4010Pro)

Gene: DYNC1H1 (dynein cytoplasmic 1 heavy chain 1; plus strand). Cytogenetic location: 14q32.31.
Variant type: single nucleotide variant.
Coding change: c.12028T>C on transcript NM_001376.5 (MANE Select); coding-DNA position 12028, T replaced by C.
Protein change: p.Ser4010Pro; replaces serine 4010 with proline.
Molecular consequence: missense variant.
Genome position (GRCh38, 1-based): chr14:102,041,660, T>C. VCF-style: chr14-102041660-T-C. GRCh37 (hg19) VCF-style: chr14-102507997-T-C.
Other names: short protein forms S4010P.
Identifiers: ClinVar variation 2864812 (VCV002864812.3), dbSNP rs2503855782, ClinGen allele CA391037817.